The following is an entry in ClinVar:

NM_001079872.2(CUL4B):c.2144A>G (p.Lys715Arg)

Gene: CUL4B (cullin 4B; minus strand). Cytogenetic location: Xq24.
Variant type: single nucleotide variant.
Coding change: c.2144A>G on transcript NM_001079872.2 (MANE Select); coding-DNA position 2144, A replaced by G.
Protein change: p.Lys715Arg; replaces lysine 715 with arginine.
Molecular consequence: missense variant.
Genome position (GRCh38, 1-based): chrX:120,535,846, T>C on the plus strand (A>G on the coding strand, the complement: CUL4B is on the minus strand). VCF-style: chrX-120535846-T-C. GRCh37 (hg19) VCF-style: chrX-119669701-T-C.
Other names: c.2159A>G, p.Lys720Arg (NM_001330624.2); c.1610A>G, p.Lys537Arg (NM_001369145.1); c.2198A>G, p.Lys733Arg (NM_003588.4); short protein forms K537R, K715R, K720R, K733R.
Identifiers: ClinVar variation 3368799 (VCV003368799.1).

ClinVar aggregate classification (germline): Uncertain significance (1 of 4 stars; one submission).

Submission:

GeneDx
Classification: Uncertain significance. Last evaluated: 2024-02-07. Review status: criteria provided, single submitter. Criteria: GeneDx Variant Classification Process June 2021. Collection method: clinical testing. Allele origin: germline. Affected: yes.
Comment: Not observed at significant frequency in large population cohorts (gnomAD); In silico analysis supports that this missense variant does not alter protein structure/function; Has not been previously published as pathogenic or benign to our knowledge